The following is an entry in ClinVar:

NM_001042492.3(NF1):c.5767dup (p.Thr1923fs)

Gene: NF1 (neurofibromin 1; plus strand). Cytogenetic location: 17q11.2.
Variant type: Duplication.
Coding change: c.5767dup on transcript NM_001042492.3 (MANE Select); coding-DNA position 5767, one base duplicated (A; older notation c.5767dupA).
Protein change: p.Thr1923fs; shifts the reading frame from threonine 1923.
Molecular consequence: frameshift variant.
Genome position (GRCh38, 1-based): chr17:31,330,453, A duplicated. VCF-style (leftmost placement, unchanged base first): chr17-31330452-C-CA. GRCh37 (hg19) VCF-style: chr17-29657470-C-CA.
Other names: c.5704dup, p.Thr1902Asnfs (NM_000267.4); short protein forms T1902fs, T1923fs.
Identifiers: ClinVar variation 947174 (VCV000947174.6), dbSNP rs2069453458, ClinGen allele CA1139665393.

ClinVar aggregate classification (germline): Pathogenic (1 of 4 stars; one submission).

Conditions:
Neurofibromatosis, type 1 (NF1). Also called: Peripheral type neurofibromatosis; Neurofibromatosis, type I; VON RECKLINGHAUSEN DISEASE; NEUROFIBROMATOSIS, TYPE I, SOMATIC. Identifiers: Orphanet 636, MedGen C0027831, MONDO:0018975, OMIM 162200. Disease mechanism: loss of function.

Submission:

Labcorp Genetics (formerly Invitae), Labcorp
Classification: Pathogenic for Neurofibromatosis, type 1. Last evaluated: 2020-11-02. Review status: criteria provided, single submitter. Criteria: Invitae Variant Classification Sherloc (09022015). Collection method: clinical testing. Allele origin: germline.
Comment: For these reasons, this variant has been classified as Pathogenic. Loss-of-function variants in NF1 are known to be pathogenic (PMID: 10712197, 23913538). This variant has not been reported in the literature in individuals with NF1-related conditions. ClinVar contains an entry for this variant (Variation ID: 947174). This variant is not present in population databases (ExAC no frequency). This sequence change creates a premature translational stop signal (p.Thr1902Asnfs*13) in the NF1 gene. It is expected to result in an absent or disrupted protein product.

Literature cited by the submitters: PubMed 10712197; PubMed 23913538.